The following is an entry in ClinVar:

NM_000135.4(FANCA):c.1812dup (p.Glu605fs)

Gene: FANCA (FA complementation group A; minus strand). Cytogenetic location: 16q24.3.
Variant type: Duplication.
Coding change: c.1812dup on transcript NM_000135.4 (MANE Select); coding-DNA position 1812, one base duplicated (A; older notation c.1812dupA).
Protein change: p.Glu605fs; shifts the reading frame from glutamic acid 605.
Molecular consequence: frameshift variant.
Genome position (GRCh38, 1-based): chr16:89,778,815, T duplicated on the plus strand (A on the coding strand, the reverse complement: FANCA is on the minus strand). VCF-style (leftmost placement, unchanged base first): chr16-89778814-C-CT. GRCh37 (hg19) VCF-style: chr16-89845222-C-CT.
Other names: c.1812dup, p.Glu605fs (NM_001286167.3); c.1812dupA (NM_000135.2); short protein forms E605fs.
Identifiers: ClinVar variation 3254985 (VCV003254985.5), dbSNP rs2544226343.

ClinVar aggregate classification (germline): Pathogenic/Likely pathogenic. Review status: criteria provided, multiple submitters, no conflicts (2 of 4 stars). 4 submissions from 4 submitters: Pathogenic (1); Likely pathogenic (3). Last evaluated 2025-01-23.

Conditions:
FANCA-related disorders.
FANCA-related disorder. Also called: FANCA-related condition.
Fanconi anemia complementation group A (FANCA). Also called: Fanconi anemia, group A; FANCA-Related Fanconi Anemia. Identifiers: Orphanet 84, MedGen C3469521, MONDO:0009215, OMIM 227650.

Submissions (4):

PreventionGenetics, part of Exact Sciences
Classification: Likely pathogenic for FANCA-related condition. Last evaluated: 2025-01-23. Review status: criteria provided, single submitter. Criteria: ACMG Guidelines, 2015. Collection method: clinical testing. Allele origin: germline.
Comment: The FANCA c.1812dupA variant is predicted to result in a frameshift and premature protein termination (p.Glu605Argfs*8). To our knowledge, this variant has not been reported in the literature or in a large population database (gnomAD), indicating this variant is rare. Frameshift variants in FANCA are expected to be pathogenic. This variant is interpreted as likely pathogenic.

Victorian Clinical Genetics Services, Murdoch Childrens Research Institute
Classification: Pathogenic for Fanconi anemia complementation group A. Last evaluated: 2024-09-20. Review status: criteria provided, single submitter. Criteria: ACMG Guidelines, 2015. Collection method: clinical testing. Allele origin: germline. Inheritance: Autosomal recessive inheritance. Affected: yes.
Comment: Based on the classification scheme VCGS_Germline_v1.3.4, this variant is classified as Pathogenic. Following criteria are met: 0102 - Loss of function is a known mechanism of disease in this gene and is associated with fanconi anaemia, complementation group A (MIM#227650). (I) 0106 - This gene is associated with autosomal recessive disease. (I) 0201 - Variant is predicted to cause nonsense-mediated decay (NMD) and loss of protein (premature termination codon is located at least 54 nucleotides upstream of the final exon-exon junction). (SP) 0252 - This variant is homozygous. (I) 0301 - Variant is absent from gnomAD (both v2 and v3). (SP) 0701 - Other null variants comparable to the one identified in this case have very strong previous evidence for pathogenicity. There are at least ten NMD-predicted variants that have been classified as likely pathogenic or pathogenic (DECIPHER). (SP) 0807 - This variant has no previous evidence of pathogenicity. (I) 0905 - No published segregation evidence has been identified for this variant. (I) 1007 - No published functional evidence has been identified for this variant. (I) 1208 - Inheritance information for this variant is not currently available in this individual. (I) Legend: (SP) - Supporting pathogenic, (I) - Information, (SB) - Supporting benign

Blueprint Genetics
Classification: Likely pathogenic for FANCA-related disorders. Last evaluated: 2024-05-24. Review status: criteria provided, single submitter. Criteria: ACMG Guidelines, 2015. Collection method: clinical testing. Allele origin: germline. Affected: yes. Observed: 4 variant alleles.

Fulgent Genetics
Classification: Likely pathogenic for Fanconi anemia complementation group A. Last evaluated: 2024-01-17. Review status: criteria provided, single submitter. Criteria: ACMG Guidelines, 2015. Collection method: clinical testing. Allele origin: germline.